The following is an entry in ClinVar:

ClinVar aggregate classification (germline): Uncertain significance (1 of 4 stars; one submission).

gnomAD v4.1: 1 of 1,613,630 alleles (0.000062%); highest among the groups gnomAD compares: Non-Finnish European, 0.000085%; no homozygotes.

Submission:

Labcorp Genetics (formerly Invitae), Labcorp
Classification: Uncertain significance. Last evaluated: 2026-02-01. Review status: criteria provided, single submitter. Criteria: Invitae Variant Classification Sherloc (09022015). Collection method: clinical testing. Allele origin: germline.
Comment: This sequence change creates a premature translational stop signal (p.Trp247*) in the SLC17A8 gene. It is expected to result in an absent or disrupted protein product. However, the current clinical and genetic evidence is not sufficient to establish whether loss-of-function variants in SLC17A8 cause disease. This variant is present in population databases (no rsID available, gnomAD 0.0009%). This variant has not been reported in the literature in individuals affected with SLC17A8-related conditions. Algorithms developed to predict the effect of sequence changes on RNA splicing suggest that this variant may disrupt the consensus splice site. In summary, the available evidence is currently insufficient to determine the role of this variant in disease. Therefore, it has been classified as a Variant of Uncertain Significance.

NM_139319.3(SLC17A8):c.740G>A (p.Trp247Ter)

Gene: SLC17A8 (solute carrier family 17 member 8; plus strand). Cytogenetic location: 12q23.1.
Variant type: single nucleotide variant.
Coding change: c.740G>A on transcript NM_139319.3 (MANE Select); coding-DNA position 740, G replaced by A.
Protein change: p.Trp247Ter; replaces tryptophan 247 with a stop codon.
Molecular consequence: nonsense.
Genome position (GRCh38, 1-based): chr12:100,401,840, G>A. VCF-style: chr12-100401840-G-A. GRCh37 (hg19) VCF-style: chr12-100795618-G-A.
Other names: c.740G>A, p.Trp247Ter (NM_001145288.2); short protein forms W247*.
Identifiers: ClinVar variation 4711478 (VCV004711478.1).